The following is an entry in ClinVar:

NM_032043.3(BRIP1):c.1082del (p.Asp361fs)

Gene: BRIP1 (BRCA1 interacting DNA helicase 1; minus strand). Cytogenetic location: 17q23.2.
Variant type: Deletion.
Coding change: c.1082del on transcript NM_032043.3 (MANE Select); coding-DNA position 1082, one base deleted (A; older notation c.1082delA).
Protein change: p.Asp361fs; shifts the reading frame from aspartic acid 361.
Molecular consequence: frameshift variant.
Genome position (GRCh38, 1-based): chr17:61,801,311, T deleted on the plus strand (A on the coding strand, the reverse complement: BRIP1 is on the minus strand). VCF-style (leftmost placement, unchanged base first): chr17-61801310-AT-A. GRCh37 (hg19) VCF-style: chr17-59878671-AT-A.
Other names: c.1082delA (NM_032043.2); short protein forms D361fs.
Identifiers: ClinVar variation 141295 (VCV000141295.3), dbSNP rs587781639, ClinGen allele CA165035.
Genomic context (GRCh38, chr17:61,801,310, plus strand): 5'-CACACTTTCCCTTATTTGTGCATCTAGAAGATAGTTGTAGGGACAAAATATGATGTCAGC[AT>A]CTTGTATTAGTTCTCGGGCTGTGTAATATGGACAGGCCTTTAGTTTCTTCCCCAGGCTGA-3'

ClinVar aggregate classification (germline): Pathogenic (1 of 4 stars; one submission).

Conditions:
Hereditary cancer-predisposing syndrome. Also called: Neoplastic Syndromes, Hereditary; Tumor predisposition; Hereditary Cancer Syndrome; Hereditary neoplastic syndrome. Identifiers: Orphanet 140162, MedGen C0027672, MeSH D009386, MONDO:0015356.

Submission:

Ambry Genetics
Classification: Pathogenic for Hereditary cancer-predisposing syndrome. Last evaluated: 2013-08-27. Review status: criteria provided, single submitter. Criteria: Ambry Autosomal Dominant and X-Linked criteria (10/2015). Collection method: clinical testing. Allele origin: germline. Observed: 1 variant allele.
Comment: This alteration is expected to result in loss of function by premature protein truncation or nonsense-mediatedâ€¯mRNAâ€¯decay.â€¯As such, this alteration is interpreted as a disease-causing mutation.